The following is an entry in ClinVar:

ClinVar aggregate classification (germline): Conflicting classifications of pathogenicity. Review status: criteria provided, conflicting classifications (1 of 4 stars). 3 submissions from 3 submitters: Uncertain significance (1); Benign (1). 1 of the submissions does not count toward it. Last evaluated 2025-12-26.

Conditions:
Congenital glucose-galactose malabsorption (GGM). Also called: DIARRHEA 16; MONOSACCHARIDE MALABSORPTION. Identifiers: Orphanet 35710, MedGen C0268186, MONDO:0011731, OMIM 606824.
SLC5A1-related disorder. Also called: SLC5A1-related condition.

Allele frequency attached by ClinVar (database versions not stated): gnomAD 0.00013 and 0.00014; TOPMed 0.00016; gnomAD exomes 0.00020; ExAC 0.00023; ESP Exome Variant Server 0.00023.
gnomAD v4.1: 144 of 1,614,080 alleles (0.0089%); highest among the groups gnomAD compares: Admixed American, 0.012%; 1 homozygote.

Submissions (3):

Labcorp Genetics (formerly Invitae), Labcorp
Classification: Benign for Congenital glucose-galactose malabsorption. Last evaluated: 2025-12-26. Review status: criteria provided, single submitter. Criteria: Invitae Variant Classification Sherloc (09022015). Collection method: clinical testing. Allele origin: germline.

Illumina Laboratory Services, Illumina
Classification: Uncertain significance for Congenital glucose-galactose malabsorption. Last evaluated: 2018-01-13. Review status: criteria provided, single submitter. Criteria: ICSL Variant Classification Criteria 13 December 2019. Collection method: clinical testing. Allele origin: germline.

PreventionGenetics, part of Exact Sciences
Classification: Likely benign for SLC5A1-related condition. Last evaluated: 2022-05-10. Review status: no assertion criteria provided. Collection method: clinical testing. Allele origin: germline. Not counted in ClinVar's aggregate classification.
Comment: This variant is classified as likely benign based on ACMG/AMP sequence variant interpretation guidelines (Richards et al. 2015 PMID: 25741868, with internal and published modifications).

NM_000343.4(SLC5A1):c.36G>A (p.Ala12=)

Gene: SLC5A1 (solute carrier family 5 member 1; plus strand). Cytogenetic location: 22q12.3.
Variant type: single nucleotide variant.
Coding change: c.36G>A on transcript NM_000343.4 (MANE Select); coding-DNA position 36, G replaced by A.
Protein change: p.Ala12=; no amino-acid change (alanine 12 retained).
Molecular consequence: synonymous variant.
Genome position (GRCh38, 1-based): chr22:32,043,317, G>A. VCF-style: chr22-32043317-G-A. GRCh37 (hg19) VCF-style: chr22-32439304-G-A.
Identifiers: ClinVar variation 903161 (VCV000903161.15), dbSNP rs148720069, ClinGen allele CA10197817.